The following is an entry in ClinVar:

ClinVar aggregate classification (germline): Pathogenic/Likely pathogenic. Review status: criteria provided, multiple submitters, no conflicts (2 of 4 stars). 6 submissions from 6 submitters: Pathogenic (3); Likely pathogenic (2). 1 of the submissions does not count toward it. Last evaluated 2025-06-19.

Conditions:
Tuberous sclerosis syndrome (TSC). Also called: Tuberous Sclerosis Complex; Tuberous sclerosis. Identifiers: Orphanet 805, MedGen C0041341, MONDO:0001734.
Tuberous sclerosis 2 (TSC2). Identifiers: Orphanet 805, MedGen C1860707, MONDO:0013199, OMIM 613254.

Submissions (6):

Cambridge Genomics Laboratory, East Genomic Laboratory Hub, NHS Genomic Medicine Service
Classification: Likely pathogenic for Tuberous sclerosis. Last evaluated: 2025-06-19. Review status: criteria provided, single submitter. Criteria: ACGS Best Practice Guidelines for Variant Classification in Rare Disease 2020. Collection method: clinical testing. Allele origin: germline. Affected: yes.
Comment: PS3_Supporting,PS4_Moderate,PM2,PP3,PP4

Labcorp Genetics (formerly Invitae), Labcorp
Classification: Pathogenic for Tuberous sclerosis 2. Last evaluated: 2025-05-18. Review status: criteria provided, single submitter. Criteria: Invitae Variant Classification Sherloc (09022015). Collection method: clinical testing. Allele origin: germline.
Comment: This sequence change replaces histidine, which is basic and polar, with tyrosine, which is neutral and polar, at codon 1640 of the TSC2 protein (p.His1640Tyr). This variant is not present in population databases (gnomAD no frequency). This missense change has been observed in individual(s) with clinical features of tuberous sclerosis complex (PMID: 12111193; internal data). In at least one individual the variant was observed to be de novo. ClinVar contains an entry for this variant (Variation ID: 49333). Invitae Evidence Modeling of protein sequence and biophysical properties (such as structural, functional, and spatial information, amino acid conservation, physicochemical variation, residue mobility, and thermodynamic stability) indicates that this missense variant is expected to disrupt TSC2 protein function with a positive predictive value of 95%. Experimental studies have shown that this missense change affects TSC2 function (PMID: 18854862, 21309039). For these reasons, this variant has been classified as Pathogenic.

Dasa
Classification: Likely pathogenic for Tuberous sclerosis 2. Last evaluated: 2025-05-02. Review status: criteria provided, single submitter. Criteria: DASA Assertion Criteria. Collection method: clinical testing. Allele origin: germline.
Comment: NM_000548.5(TSC2):c.4918C>T (p.His1640Tyr) is a missense variant that results in the substitution of histidine with tyrosine. The affected residue or protein region has prior evidence supporting clinical relevance. This variant has been recurrently observed in individuals with Tuberous sclerosis 2 (PMID: 12111193; PMID: 32313033). Functional evidence supports an impact on the gene or gene product (PMID: 12111193; PMID: 32313033; PMID: 21309039; PMID: 32502382). Computational evidence supports a deleterious effect. Based on the currently available evidence, this variant is classified as likely pathogenic.

Neuberg Centre For Genomic Medicine, NCGM
Classification: Pathogenic for Tuberous sclerosis 2. Last evaluated: 2023-06-22. Review status: criteria provided, single submitter. Criteria: ACMG Guidelines, 2015. Collection method: clinical testing. Allele origin: germline. Inheritance: Autosomal dominant inheritance. Affected: yes.
Comment: The observed stop gained variant c.4918C>T(p.His1640Tyr) in the TSC2 gene has been reported previously in individuals with clinical features of tuberous sclerosis complex. Experimental studies have shown that this missense change affects TSC2 function (Reyna-Fabián ME, et al., 2020; Hoogeveen-Westerveld M, et al., 2011). Other variants [p.His1640Pro; p.His1640Arg] affecting the same position have been previously reported to be Likely pathogenic in the ClinVar Database. This variant is absent in the gnomAD Exomes. It is submitted to ClinVar as Pathogenic. Computational evidence (MutationTaster - Disease causing) predicts damaging effect on protein structure and function for this variant. This variant is predicted to cause loss of normal protein function either through protein truncation or nonsense-mediated mRNA decay. Loss of function variants have been previously reported to be disease causing. For these reasons, this variant has been classified as Pathogenic.

Genetics and Molecular Pathology, SA Pathology
Classification: Pathogenic for Tuberous sclerosis 2. Last evaluated: 2021-09-07. Review status: criteria provided, single submitter. Criteria: ACMG Guidelines, 2015. Collection method: clinical testing. Allele origin: germline. Affected: yes.

Tuberous sclerosis database (TSC2)
No classification provided. Condition: TSC. Review status: no classification provided. Criteria: Tuberous Sclerosis Database Assertion Criteria 2015. Collection method: curation. Allele origin: germline. Affected: yes. Not counted in ClinVar's aggregate classification.

Literature cited by the submitters: PubMed 12111193 (cited by Labcorp Genetics (formerly Invitae), Labcorp and Dasa); PubMed 18854862 (cited by Labcorp Genetics (formerly Invitae), Labcorp); PubMed 21309039 (cited by Labcorp Genetics (formerly Invitae), Labcorp and Dasa); PubMed 32313033 (cited by Dasa); PubMed 32502382 (cited by Dasa).

NM_000548.5(TSC2):c.4918C>T (p.His1640Tyr)

Gene: TSC2 (TSC complex subunit 2; plus strand). Cytogenetic location: 16p13.3.
Variant type: single nucleotide variant.
Coding change: c.4918C>T on transcript NM_000548.5 (MANE Select); coding-DNA position 4918, C replaced by T.
Protein change: p.His1640Tyr; replaces histidine 1640 with tyrosine.
Molecular consequence: missense variant.
Genome position (GRCh38, 1-based): chr16:2,086,800, C>T. VCF-style: chr16-2086800-C-T. GRCh37 (hg19) VCF-style: chr16-2136801-C-T.
Other names: c.4717C>T, p.His1573Tyr (NM_001077183.3); c.4849C>T, p.His1617Tyr (NM_001114382.3); c.4609C>T, p.His1537Tyr (NM_001318827.2); c.4573C>T, p.His1525Tyr (NM_001318829.2); c.4186C>T, p.His1396Tyr (NM_001318831.2); c.4750C>T, p.His1584Tyr (NM_001318832.2); c.4720C>T, p.His1574Tyr (NM_001363528.2); c.4786C>T, p.His1596Tyr (NM_001370404.1); and 1 more; short protein forms H1640Y, H1573Y, H1396Y, H1574Y, H1584Y, H1597Y, H1596Y, H1617Y.
Identifiers: ClinVar variation 49333 (VCV000049333.13), dbSNP rs45485092, ClinGen allele CA021270.